The following is an entry in ClinVar:

NM_003049.4(SLC10A1):c.836T>C (p.Ile279Thr)

Gene: SLC10A1 (solute carrier family 10 member 1; minus strand). Cytogenetic location: 14q24.1.
Variant type: single nucleotide variant.
Coding change: c.836T>C on transcript NM_003049.4 (MANE Select); coding-DNA position 836, T replaced by C.
Protein change: p.Ile279Thr; replaces isoleucine 279 with threonine.
Molecular consequence: missense variant.
Genome position (GRCh38, 1-based): chr14:69,778,440, A>G on the plus strand (T>C on the coding strand, the complement: SLC10A1 is on the minus strand). VCF-style: chr14-69778440-A-G. GRCh37 (hg19) VCF-style: chr14-70245157-A-G.
Other names: c.836T>C (NM_003049.3); short protein forms I279T.
Identifiers: ClinVar variation 501470 (VCV000501470.7), dbSNP rs72547507, ClinGen allele CA7245951.
Genomic context (GRCh38, chr14:69,778,440, plus strand): 5'-AGAAGCCCTTCTCCAAGCTGGAAAATCATGTAGAGGAGGGGAAAGAAGAAAAGTGGTCCA[A>G]TGACTTCAGGTGGAAAGGCCACATTGAGGATGGTGGAACAGAGTTGGACATTTTGGCATC-3'
Protein context (NP_003040.1, residues 269-289): ILNVAFPPEV[Ile279Thr]GPLFFFPLLY

ClinVar aggregate classification (germline): Uncertain significance. Review status: criteria provided, multiple submitters, no conflicts (2 of 4 stars). 3 submissions from 3 submitters: Uncertain significance (3). Last evaluated 2026-09-08.

Conditions:
SLC10A1-related disorder. Also called: SLC10A1-related condition.

Allele frequency attached by ClinVar (database versions not stated): ExAC 0.00008; gnomAD exomes 0.00012 and 0.00014; gnomAD 0.00028 and 0.00030; 1000 Genomes Project 30x 0.00031; TOPMed 0.00034; ESP Exome Variant Server 0.00038; 1000 Genomes Project 0.00040.
gnomAD v4.1: 224 of 1,614,118 alleles (0.014%); highest among the groups gnomAD compares: Admixed American, 0.058%; no homozygotes.

Submissions (3):

PreventionGenetics, part of Exact Sciences
Classification: Uncertain significance for SLC10A1-related condition. Last evaluated: 2026-09-08. Review status: criteria provided, single submitter. Criteria: ACMG Guidelines, 2015. Collection method: clinical testing. Allele origin: germline.
Comment: The SLC10A1 c.836T>C variant is predicted to result in the amino acid substitution p.Ile279Thr. To our knowledge, this variant has not been reported in the literature. This variant is reported in 0.045% of alleles in individuals of Latino descent in gnomAD. Although we suspect that this variant may be benign, at this time, the clinical significance of this variant is uncertain due to the absence of conclusive functional and genetic evidence.

Eurofins Ntd Llc (ga)
Classification: Uncertain significance. Last evaluated: 2018-03-27. Review status: criteria provided, single submitter. Criteria: EGL ClinVar v180209 classification definitions. Collection method: clinical testing. Allele origin: germline. Observed: 4 variant alleles, 4 heterozygotes.

Breakthrough Genomics
Classification: Uncertain significance. Review status: criteria provided, single submitter. Criteria: ACMG Guidelines, 2015. Collection method: not provided. Allele origin: germline. Inheritance: Autosomal recessive inheritance. Affected: yes.

Literature cited by the submitters: PubMed 25418280 (cited by Eurofins Ntd Llc (ga)).